The following is an entry in ClinVar:

NM_001754.5(RUNX1):c.1304C>G (p.Ala435Gly)

Gene: RUNX1 (RUNX family transcription factor 1; minus strand). Cytogenetic location: 21q22.12.
Variant type: single nucleotide variant.
Coding change: c.1304C>G on transcript NM_001754.5 (MANE Select); coding-DNA position 1304, C replaced by G.
Protein change: p.Ala435Gly; replaces alanine 435 with glycine.
Molecular consequence: missense variant.
Genome position (GRCh38, 1-based): chr21:34,792,274, G>C on the plus strand (C>G on the coding strand, the complement: RUNX1 is on the minus strand). VCF-style: chr21-34792274-G-C. GRCh37 (hg19) VCF-style: chr21-36164571-G-C.
Other names: c.1223C>G, p.Ala408Gly (NM_001001890.3); short protein forms A408G, A435G.
Identifiers: ClinVar variation 5028610 (VCV005028610.1).

ClinVar aggregate classification (germline): Uncertain significance (1 of 4 stars; one submission).

Conditions:
Inborn genetic diseases. Identifiers: MedGen C0950123, MeSH D030342.

Submission:

Ambry Genetics
Classification: Uncertain significance for Inborn genetic diseases. Last evaluated: 2026-09-09. Review status: criteria provided, single submitter. Criteria: Ambry Variant Classification Scheme 2023. Collection method: clinical testing. Allele origin: germline.
Comment: The p.A435G variant (also known as c.1304C>G), located in coding exon 8 of the RUNX1 gene, results from a C to G substitution at nucleotide position 1304. The alanine at codon 435 is replaced by glycine, an amino acid with similar properties. This amino acid position is conserved. In addition, this alteration is predicted to be tolerated by in silico analysis. Based on the available evidence, the clinical significance of this variant remains unclear.